The following is an entry in ClinVar:

NM_006440.5(TXNRD2):c.77T>G (p.Val26Gly)

Genes: TXNRD2 (thioredoxin reductase 2; minus strand), LOC130066960 (ATAC-STARR-seq lymphoblastoid silent region 13467; plus strand). Cytogenetic location: 22q11.21.
Variant type: single nucleotide variant.
Coding change: c.77T>G on transcript NM_006440.5 (MANE Select); coding-DNA position 77, T replaced by G.
Protein change: p.Val26Gly; replaces valine 26 with glycine.
Molecular consequence: missense variant. On other transcripts: non-coding transcript variant (1).
Genome position (GRCh38, 1-based): chr22:19,941,727, A>C on the plus strand (T>G on the coding strand, the complement: TXNRD2 is on the minus strand). VCF-style: chr22-19941727-A-C. GRCh37 (hg19) VCF-style: chr22-19929250-A-C.
Other names: c.77T>G, p.Val26Gly (NM_001282512.3, NM_001352300.2); short protein forms V26G.
Identifiers: ClinVar variation 407094 (VCV000407094.18), dbSNP rs925920723, ClinGen allele CA16616529.

ClinVar aggregate classification (germline): Conflicting classifications of pathogenicity. Review status: criteria provided, conflicting classifications (1 of 4 stars). 4 submissions from 4 submitters: Uncertain significance (3); Likely benign (1). Last evaluated 2025-11-06.

Conditions:
Glucocorticoid deficiency 5. Identifiers: MedGen C4540522, MONDO:0040502, OMIM 617825.
Cardiovascular phenotype. Identifiers: MedGen CN230736.
Primary dilated cardiomyopathy (DCM). Also called: Dilated Cardiomyopathy. Identifiers: Orphanet 217604, MedGen C0007193, MeSH D002311, MONDO:0005021, HP:0001644. Inheritance: Various modes of inheritance.

Allele frequency attached by ClinVar (database versions not stated): 1000 Genomes Project 30x 0.00016; gnomAD 0.00023.
gnomAD v4.1: 66 of 1,487,352 alleles (0.0044%); highest among the groups gnomAD compares: African/African-American, 0.092%; no homozygotes.

Submissions (4):

Labcorp Genetics (formerly Invitae), Labcorp
Classification: Uncertain significance for Primary dilated cardiomyopathy. Last evaluated: 2025-11-06. Review status: criteria provided, single submitter. Criteria: Invitae Variant Classification Sherloc (09022015). Collection method: clinical testing. Allele origin: germline.
Comment: This sequence change replaces valine, which is neutral and non-polar, with glycine, which is neutral and non-polar, at codon 26 of the TXNRD2 protein (p.Val26Gly). This variant is present in population databases (no rsID available, gnomAD 0.06%). This variant has not been reported in the literature in individuals affected with TXNRD2-related conditions. ClinVar contains an entry for this variant (Variation ID: 407094). An algorithm developed to predict the effect of missense changes on protein structure and function (PolyPhen-2) suggests that this variant is likely to be tolerated. In summary, the available evidence is currently insufficient to determine the role of this variant in disease. Therefore, it has been classified as a Variant of Uncertain Significance.

Ambry Genetics
Classification: Likely benign for Cardiovascular phenotype. Last evaluated: 2024-08-21. Review status: criteria provided, single submitter. Criteria: Ambry Variant Classification Scheme 2023. Collection method: clinical testing. Allele origin: germline.

GeneDx
Classification: Uncertain significance. Last evaluated: 2024-07-05. Review status: criteria provided, single submitter. Criteria: GeneDx Variant Classification Process June 2021. Collection method: clinical testing. Allele origin: germline. Affected: yes.
Comment: Has not been previously published as pathogenic or benign to our knowledge; In silico analysis indicates that this missense variant does not alter protein structure/function

Fulgent Genetics
Classification: Uncertain significance for Glucocorticoid deficiency 5. Last evaluated: 2021-08-11. Review status: criteria provided, single submitter. Criteria: ACMG Guidelines, 2015. Collection method: clinical testing. Allele origin: unknown.